The following is an entry in ClinVar:

ClinVar aggregate classification (germline): Uncertain significance (1 of 4 stars; one submission).

Conditions:
RYR1-related disorder. Also called: RYR1-related condition; RYR1-related disorders. Identifiers: MedGen CN239331.

gnomAD v4.1: 3 of 1,614,146 alleles (0.00019%); highest among the groups gnomAD compares: Non-Finnish European, 0.00025%; no homozygotes.

Submission:

Labcorp Genetics (formerly Invitae), Labcorp
Classification: Uncertain significance for RYR1-related disorder. Last evaluated: 2025-12-24. Review status: criteria provided, single submitter. Criteria: Invitae Variant Classification Sherloc (09022015). Collection method: clinical testing. Allele origin: germline.
Comment: This sequence change replaces isoleucine, which is neutral and non-polar, with asparagine, which is neutral and polar, at codon 3464 of the RYR1 protein (p.Ile3464Asn). This variant is present in population databases (no rsID available, gnomAD 0.0009%). This variant has not been reported in the literature in individuals affected with RYR1-related conditions. Invitae Evidence Modeling of protein sequence and biophysical properties (such as structural, functional, and spatial information, amino acid conservation, physicochemical variation, residue mobility, and thermodynamic stability) indicates that this missense variant is expected to disrupt RYR1 protein function with a positive predictive value of 80%. In summary, the available evidence is currently insufficient to determine the role of this variant in disease. Therefore, it has been classified as a Variant of Uncertain Significance.

NM_000540.3(RYR1):c.10391T>A (p.Ile3464Asn)

Gene: RYR1 (ryanodine receptor 1; plus strand). Cytogenetic location: 19q13.2.
Variant type: single nucleotide variant.
Coding change: c.10391T>A on transcript NM_000540.3 (MANE Select); coding-DNA position 10391, T replaced by A.
Protein change: p.Ile3464Asn; replaces isoleucine 3464 with asparagine.
Molecular consequence: missense variant.
Genome position (GRCh38, 1-based): chr19:38,523,260, T>A. VCF-style: chr19-38523260-T-A. GRCh37 (hg19) VCF-style: chr19-39013900-T-A.
Other names: c.10391T>A, p.Ile3464Asn (NM_001042723.2); short protein forms I3464N.
Identifiers: ClinVar variation 4751227 (VCV004751227.1).